The following is an entry in ClinVar:

NM_001355436.2(SPTB):c.5898C>T (p.Gly1966=)

Gene: SPTB (spectrin beta, erythrocytic; minus strand). Cytogenetic location: 14q23.3.
Variant type: single nucleotide variant.
Coding change: c.5898C>T on transcript NM_001355436.2 (MANE Select); coding-DNA position 5898, C replaced by T.
Protein change: p.Gly1966=; no amino-acid change (glycine 1966 retained).
Molecular consequence: synonymous variant.
Genome position (GRCh38, 1-based): chr14:64,769,629, G>A on the plus strand (C>T on the coding strand, the complement: SPTB is on the minus strand). VCF-style: chr14-64769629-G-A. GRCh37 (hg19) VCF-style: chr14-65236347-G-A.
Other names: NM_000347.5:c.5898C>T; c.5898C>T, p.Gly1966= (NM_001024858.4, NM_001355437.2).
Identifiers: ClinVar variation 1376933 (VCV001376933.10), dbSNP rs2139488882, ClinGen allele CA486735325.

ClinVar aggregate classification (germline): Conflicting classifications of pathogenicity. Review status: criteria provided, conflicting classifications (1 of 4 stars). 4 submissions from 4 submitters: Likely pathogenic (1); Uncertain significance (3). Last evaluated 2025-09-23.

Submissions (4):

Labcorp Genetics (formerly Invitae), Labcorp
Classification: Uncertain significance. Last evaluated: 2025-09-23. Review status: criteria provided, single submitter. Criteria: Invitae Variant Classification Sherloc (09022015). Collection method: clinical testing. Allele origin: germline.
Comment: This sequence change affects codon 1966 of the SPTB mRNA. It is a 'silent' change, meaning that it does not change the encoded amino acid sequence of the SPTB protein. This variant is not present in population databases (gnomAD no frequency). This variant has been observed in individual(s) with hereditary spherocytosis (PMID: 32436265). ClinVar contains an entry for this variant (Variation ID: 1376933). Algorithms developed to predict the effect of sequence changes on RNA splicing suggest that this variant may disrupt the consensus splice site. In summary, the available evidence is currently insufficient to determine the role of this variant in disease. Therefore, it has been classified as a Variant of Uncertain Significance.

ARUP Laboratories, Molecular Genetics and Genomics, ARUP Laboratories
Classification: Uncertain significance. Last evaluated: 2025-02-20. Review status: criteria provided, single submitter. Criteria: ARUP Molecular Germline Variant Investigation Process 2024. Collection method: clinical testing. Allele origin: germline.
Comment: The SPTB c.5898C>T; p.Gly1966= variant (rs2139488882, ClinVar Variation ID 1376933) is reported in the literature in one individual with spherocytosis (Tole 2020). This variant is absent from the Genome Aggregation Database (v2.1.1), indicating it is not a common polymorphism. This is a synonymous variant and computational analyses (Alamut Visual Plus v.1.12) predict that this variant may impact splicing by creating a novel cryptic donor splice site. However, given the lack of functional data, the significance of this variant is uncertain at this time. References: Tole S et al. Genotype-phenotype correlation in children with hereditary spherocytosis. Br J Haematol. 2020 Nov. PMID: 32436265.

Revvity Omics, Revvity
Classification: Likely pathogenic. Last evaluated: 2024-11-18. Review status: criteria provided, single submitter. Criteria: ACMG Guidelines, 2015. Collection method: clinical testing. Allele origin: germline.

GeneDx
Classification: Uncertain significance. Last evaluated: 2022-01-06. Review status: criteria provided, single submitter. Criteria: GeneDx Variant Classification Process June 2021. Collection method: clinical testing. Allele origin: germline. Affected: yes.
Comment: Not observed at significant frequency in large population cohorts (gnomAD); Splicing prediction indicates that there is significant damage to the natural splice site, or there is gain of a relevant cryptic site; Observed with an additional SPTB missense variant in a patient with hereditary spherocytosis in published literature (Tole et al., 2020), although familial segregation information and additional clinical information were not included; This variant is associated with the following publications: (PMID: 32436265)

Literature cited by the submitters: PubMed 32436265 (cited by Labcorp Genetics (formerly Invitae), Labcorp).